The following is an entry in ClinVar:

NM_003052.5(SLC34A1):c.1448C>T (p.Ser483Leu)

Gene: SLC34A1 (solute carrier family 34 member 1; plus strand). Cytogenetic location: 5q35.3.
Variant type: single nucleotide variant.
Coding change: c.1448C>T on transcript NM_003052.5 (MANE Select); coding-DNA position 1448, C replaced by T.
Protein change: p.Ser483Leu; replaces serine 483 with leucine.
Molecular consequence: missense variant.
Genome position (GRCh38, 1-based): chr5:177,397,814, C>T. VCF-style: chr5-177397814-C-T. GRCh37 (hg19) VCF-style: chr5-176824815-C-T.
Other names: c.1448C>T (NM_003052.4); short protein forms S483L.
Identifiers: ClinVar variation 1919373 (VCV001919373.3), dbSNP rs762470924, ClinGen allele CA3580802.

ClinVar aggregate classification (germline): Uncertain significance. Review status: criteria provided, multiple submitters, no conflicts (2 of 4 stars). 2 submissions from 2 submitters: Uncertain significance (2). Last evaluated 2024-02-14.

Conditions:
Inborn genetic diseases. Identifiers: MedGen C0950123, MeSH D030342.

Allele frequency attached by ClinVar (database versions not stated): gnomAD exomes 0.00001; ExAC 0.00002; TOPMed 0.00003; gnomAD 0.00005.
gnomAD v4.1: 22 of 1,612,412 alleles (0.0014%); highest among the groups gnomAD compares: Middle Eastern, 0.016%; no homozygotes.

Submissions (2):

Ambry Genetics
Classification: Uncertain significance for Inborn genetic diseases. Last evaluated: 2024-02-14. Review status: criteria provided, single submitter. Criteria: Ambry Variant Classification Scheme 2023. Collection method: clinical testing. Allele origin: germline.

Labcorp Genetics (formerly Invitae), Labcorp
Classification: Uncertain significance. Last evaluated: 2022-08-22. Review status: criteria provided, single submitter. Criteria: Invitae Variant Classification Sherloc (09022015). Collection method: clinical testing. Allele origin: germline.
Comment: This sequence change replaces serine, which is neutral and polar, with leucine, which is neutral and non-polar, at codon 483 of the SLC34A1 protein (p.Ser483Leu). This variant is present in population databases (rs762470924, gnomAD 0.008%). This variant has not been reported in the literature in individuals affected with SLC34A1-related conditions. Algorithms developed to predict the effect of missense changes on protein structure and function (SIFT, PolyPhen-2, Align-GVGD) all suggest that this variant is likely to be tolerated. In summary, the available evidence is currently insufficient to determine the role of this variant in disease. Therefore, it has been classified as a Variant of Uncertain Significance.